The following is an entry in ClinVar:

NM_001202.6(BMP4):c.1099A>C (p.Ser367Arg)

Gene: BMP4 (bone morphogenetic protein 4; minus strand). Cytogenetic location: 14q22.2.
Variant type: single nucleotide variant.
Coding change: c.1099A>C on transcript NM_001202.6 (MANE Select); coding-DNA position 1099, A replaced by C.
Protein change: p.Ser367Arg; replaces serine 367 with arginine.
Molecular consequence: missense variant.
Genome position (GRCh38, 1-based): chr14:53,950,160, T>G on the plus strand (A>C on the coding strand, the complement: BMP4 is on the minus strand). VCF-style: chr14-53950160-T-G. GRCh37 (hg19) VCF-style: chr14-54416878-T-G.
Other names: c.1099A>C (NM_001202.5); c.1240A>C, p.Ser414Arg (NM_001347912.1); c.910A>C, p.Ser304Arg (NM_001347913.2, NM_001347915.2, NM_001347917.1); c.1099A>C, p.Ser367Arg (NM_001347914.2, NM_001347916.1, NM_130850.5 and 1 more transcripts); short protein forms S304R, S367R, S414R.
Identifiers: ClinVar variation 2205310 (VCV002205310.6), dbSNP rs150746317, ClinGen allele CA7191629.

ClinVar aggregate classification (germline): Conflicting classifications of pathogenicity. Review status: criteria provided, conflicting classifications (1 of 4 stars). 4 submissions from 4 submitters: Uncertain significance (2); Likely benign (1). 1 of the submissions does not count toward it. Last evaluated 2025-09-26.

Conditions:
BMP4-related disorder. Also called: BMP4-related condition.
Inborn genetic diseases. Identifiers: MedGen C0950123, MeSH D030342.
Microphthalmia with brain and digit anomalies (MCOPS6). Also called: MICROPHTHALMIA AND PITUITARY ANOMALIES; Microphthalmia, syndromic 6. Identifiers: Orphanet 139471, MedGen C1864689, MONDO:0011936, OMIM 607932.
Orofacial cleft 11 (OFC11). Also called: Orofacial cleft 11; ofc11; CLEFT LIP WITH OR WITHOUT CLEFT PALATE, NONSYNDROMIC, 11. Identifiers: MedGen C2677434, MONDO:0010906, OMIM 600625.

Allele frequency attached by ClinVar (database versions not stated): gnomAD exomes 0.00002; ExAC 0.00003; gnomAD 0.00003; TOPMed 0.00003; ESP Exome Variant Server 0.00015.

Submissions (4):

Labcorp Genetics (formerly Invitae), Labcorp
Classification: Uncertain significance for Microphthalmia with brain and digit anomalies; Orofacial cleft 11. Last evaluated: 2025-09-26. Review status: criteria provided, single submitter. Criteria: Invitae Variant Classification Sherloc (09022015). Collection method: clinical testing. Allele origin: germline.
Comment: This sequence change replaces serine, which is neutral and polar, with arginine, which is basic and polar, at codon 367 of the BMP4 protein (p.Ser367Arg). This variant is present in population databases (rs150746317, gnomAD 0.003%). This variant has not been reported in the literature in individuals affected with BMP4-related conditions. ClinVar contains an entry for this variant (Variation ID: 2205310). Invitae Evidence Modeling of protein sequence and biophysical properties (such as structural, functional, and spatial information, amino acid conservation, physicochemical variation, residue mobility, and thermodynamic stability) indicates that this missense variant is not expected to disrupt BMP4 protein function with a negative predictive value of 80%. In summary, the available evidence is currently insufficient to determine the role of this variant in disease. Therefore, it has been classified as a Variant of Uncertain Significance.

Fulgent Genetics
Classification: Likely benign for Orofacial cleft 11; Microphthalmia with brain and digit anomalies. Last evaluated: 2024-03-12. Review status: criteria provided, single submitter. Criteria: ACMG Guidelines, 2015. Collection method: clinical testing. Allele origin: germline.

Ambry Genetics
Classification: Uncertain significance for Inborn genetic diseases. Last evaluated: 2022-01-31. Review status: criteria provided, single submitter. Criteria: Ambry Variant Classification Scheme 2023. Collection method: clinical testing. Allele origin: germline.

PreventionGenetics, part of Exact Sciences
Classification: Uncertain significance for BMP4-related condition. Last evaluated: 2024-02-14. Review status: no assertion criteria provided. Collection method: clinical testing. Allele origin: germline. Not counted in ClinVar's aggregate classification.
Comment: The BMP4 c.1099A>C variant is predicted to result in the amino acid substitution p.Ser367Arg. To our knowledge, this variant has not been reported in the literature. This variant is reported in 0.0028% of alleles in individuals of Latino descent in gnomAD. At this time, the clinical significance of this variant is uncertain due to the absence of conclusive functional and genetic evidence.